The following is an entry in ClinVar:

NM_032043.3(BRIP1):c.3641A>G (p.Lys1214Arg)

Gene: BRIP1 (BRCA1 interacting DNA helicase 1; minus strand). Cytogenetic location: 17q23.2.
Variant type: single nucleotide variant.
Coding change: c.3641A>G on transcript NM_032043.3 (MANE Select); coding-DNA position 3641, A replaced by G.
Protein change: p.Lys1214Arg; replaces lysine 1214 with arginine.
Molecular consequence: missense variant.
Genome position (GRCh38, 1-based): chr17:61,683,405, T>C on the plus strand (A>G on the coding strand, the complement: BRIP1 is on the minus strand). VCF-style: chr17-61683405-T-C. GRCh37 (hg19) VCF-style: chr17-59760766-T-C.
Other names: short protein forms K1214R.
Identifiers: ClinVar variation 4783565 (VCV004783565.1).
Genomic context (GRCh38, chr17:61,683,405, plus strand): 5'-AAGTTCTTTATTTCTATTTCATGAGTTTTTCCCAGTTCCAGTTCATTTATCCAAGTTGTT[T>C]TTACATTACCATCAATGTCATCAATTTTACTTTCTTCAATATGCAGAATTCCATTCAACT-3'
Protein context (NP_114432.2, residues 1204-1224): SKIDDIDGNV[Lys1214Arg]TTWINELELG

ClinVar aggregate classification (germline): Uncertain significance (1 of 4 stars; one submission).

Conditions:
Fanconi anemia complementation group J. Also called: BRIP1-Related Fanconi Anemia. Identifiers: Orphanet 84, MedGen C1836860, MONDO:0012187, OMIM 609054.
Familial cancer of breast. Also called: Hereditary breast cancer; hereditary breast carcinoma; BREAST CANCER, FAMILIAL. Identifiers: Orphanet 227535, MedGen C0346153, MONDO:0016419, OMIM 114480. Disease mechanism: loss of function.

Submission:

Labcorp Genetics (formerly Invitae), Labcorp
Classification: Uncertain significance for Familial cancer of breast; Fanconi anemia complementation group J. Last evaluated: 2026-01-31. Review status: criteria provided, single submitter. Criteria: Invitae Variant Classification Sherloc (09022015). Collection method: clinical testing. Allele origin: germline.
Comment: This sequence change replaces lysine, which is basic and polar, with arginine, which is basic and polar, at codon 1214 of the BRIP1 protein (p.Lys1214Arg). This variant is not present in population databases (gnomAD no frequency). This variant has not been reported in the literature in individuals affected with BRIP1-related conditions. Invitae Evidence Modeling of protein sequence and biophysical properties (such as structural, functional, and spatial information, amino acid conservation, physicochemical variation, residue mobility, and thermodynamic stability) indicates that this missense variant is not expected to disrupt BRIP1 protein function with a negative predictive value of 95%. In summary, the available evidence is currently insufficient to determine the role of this variant in disease. Therefore, it has been classified as a Variant of Uncertain Significance.